The following is an entry in ClinVar:

NM_016239.4(MYO15A):c.5649+1G>A

Gene: MYO15A (myosin XVA; plus strand). Cytogenetic location: 17p11.2.
Variant type: single nucleotide variant.
Coding change: c.5649+1G>A on transcript NM_016239.4 (MANE Select); the canonical splice donor site of the intron after coding-DNA position 5649, G replaced by A.
Molecular consequence: splice donor variant.
Genome position (GRCh38, 1-based): chr17:18,141,771, G>A. VCF-style: chr17-18141771-G-A. GRCh37 (hg19) VCF-style: chr17-18045085-G-A.
Identifiers: ClinVar variation 3370471 (VCV003370471.1).

ClinVar aggregate classification (germline): Pathogenic (1 of 4 stars; one submission).

Conditions:
Autosomal recessive nonsyndromic hearing loss 3. Also called: NEUROSENSORY NONSYNDROMIC RECESSIVE DEAFNESS 3. Identifiers: Orphanet 90636, MedGen C1838263, MONDO:0010860, OMIM 600316.

Submission:

ENT and Head and Neck Research Center and Department,  The Five Senses Health Institute, Iran University of Medical Sciences
Classification: Pathogenic for Autosomal recessive nonsyndromic hearing loss 3. Last evaluated: 2024-11-02. Review status: criteria provided, single submitter. Criteria: ClinGen HL ACMG Specifications v1. Collection method: clinical testing. Allele origin: germline. Affected: yes.
Comment: PVS1: Null variant (intronic within ±2 of splice site) in gene MYO15A. Loss-of-function is a known mechanism of disease (gene has 448 reported pathogenic LOF variants)., PM2: Variant not found in gnomAD genomes, good gnomAD genomes coverage = 32.1., PP1: Segregation in one affected relative for recessive

Literature cited by the submitters: DOI 10.1038/s41598-025-99417-7.